The following is an entry in ClinVar:

ClinVar aggregate classification (germline): Uncertain significance (1 of 4 stars; one submission).

Conditions:
Inborn genetic diseases. Identifiers: MedGen C0950123, MeSH D030342.

gnomAD v4.1: 2 of 1,609,774 alleles (0.00012%); highest among the groups gnomAD compares: Non-Finnish European, 0.00017%; no homozygotes.

Submission:

Ambry Genetics
Classification: Uncertain significance for Inborn genetic diseases. Last evaluated: 2025-11-26. Review status: criteria provided, single submitter. Criteria: Ambry Variant Classification Scheme 2023. Collection method: clinical testing. Allele origin: germline.
Comment: The p.F1175L variant (also known as c.3523T>C), located in coding exon 16 of the MECOM gene, results from a T to C substitution at nucleotide position 3523. The phenylalanine at codon 1175 is replaced by leucine, an amino acid with highly similar properties. This amino acid position is conserved. In addition, this alteration is predicted to be tolerated by in silico analysis. Based on the available evidence, the clinical significance of this variant remains unclear.

NM_004991.4(MECOM):c.3523T>C (p.Phe1175Leu)

Gene: MECOM (MDS1 and EVI1 complex locus; minus strand). Cytogenetic location: 3q26.2.
Variant type: single nucleotide variant.
Coding change: c.3523T>C on transcript NM_004991.4 (MANE Select); coding-DNA position 3523, T replaced by C.
Protein change: p.Phe1175Leu; replaces phenylalanine 1175 with leucine.
Molecular consequence: missense variant.
Genome position (GRCh38, 1-based): chr3:169,089,062, A>G on the plus strand (T>C on the coding strand, the complement: MECOM is on the minus strand). VCF-style: chr3-169089062-A-G. GRCh37 (hg19) VCF-style: chr3-168806850-A-G.
Other names: c.3154T>C, p.Phe1052Leu (NM_001105077.4); c.2959T>C, p.Phe987Leu (NM_001105078.4, NM_001205194.2, NM_001366469.2 and 1 more transcripts); c.2935T>C, p.Phe979Leu (NM_001163999.2, NM_001366470.2); c.2932T>C, p.Phe978Leu (NM_001164000.2, NM_001366471.2, NM_001366472.2); c.3496T>C, p.Phe1166Leu (NM_001366466.2); c.2962T>C, p.Phe988Leu (NM_001366467.2, NM_001366468.2); c.2524T>C, p.Phe842Leu (NM_001366473.2); c.1960T>C, p.Phe654Leu (NM_001366474.2); short protein forms F1166L, F1052L, F979L, F1175L, F842L, F987L, F654L, F978L.
Identifiers: ClinVar variation 4105935 (VCV004105935.2).